The following is an entry in ClinVar:

NM_001114753.3(ENG):c.219+2T>C

Gene: ENG (endoglin; minus strand). Cytogenetic location: 9q34.11.
Variant type: single nucleotide variant.
Coding change: c.219+2T>C on transcript NM_001114753.3 (MANE Select); the canonical splice donor site of the intron after coding-DNA position 219, T replaced by C.
Molecular consequence: splice donor variant.
Genome position (GRCh38, 1-based): chr9:127,843,092, A>G on the plus strand (T>C on the coding strand, the complement: ENG is on the minus strand). VCF-style: chr9-127843092-A-G. GRCh37 (hg19) VCF-style: chr9-130605371-A-G.
Other names: c.219+2T>C (NM_000118.4, NM_001406715.1); c.-328+2T>C (NM_001278138.2).
Identifiers: ClinVar variation 1330476 (VCV001330476.16), dbSNP rs2131918332, ClinGen allele CA374988824.

ClinVar aggregate classification (germline): Pathogenic/Likely pathogenic. Review status: criteria provided, multiple submitters, no conflicts (2 of 4 stars). 3 submissions from 3 submitters: Pathogenic (2); Likely pathogenic (1). Last evaluated 2024-08-04.

Conditions:
Cardiovascular phenotype. Identifiers: MedGen CN230736.
Hereditary hemorrhagic telangiectasia (HHT). Also called: ORW DISEASE; Osler Weber Rendu syndrome; OSLER-RENDU-WEBER DISEASE; Osler hemorrhagic telangiectasia syndrome. Identifiers: Orphanet 774, MedGen C0039445, MONDO:0019180. Disease mechanism: loss of function.
Telangiectasia, hereditary hemorrhagic, type 1 (HHT1). Also called: Osler Weber Rendu syndrome type 1; ENG-Related Hereditary Hemorrhagic Telangiectasia. Identifiers: Orphanet 774, MedGen C4551861, MONDO:0008535, OMIM 187300. Disease mechanism: loss of function.

Submissions (3):

Labcorp Genetics (formerly Invitae), Labcorp
Classification: Pathogenic for Hereditary hemorrhagic telangiectasia. Last evaluated: 2024-08-04. Review status: criteria provided, single submitter. Criteria: Invitae Variant Classification Sherloc (09022015). Collection method: clinical testing. Allele origin: germline.
Comment: This sequence change affects a donor splice site in intron 2 of the ENG gene. It is expected to disrupt RNA splicing. Variants that disrupt the donor or acceptor splice site typically lead to a loss of protein function (PMID: 16199547), and loss-of-function variants in ENG are known to be pathogenic (PMID: 15879500). This variant is not present in population databases (gnomAD no frequency). Disruption of this splice site has been observed in individuals with clinical features of hereditary hemorrhagic telangiectasia (PMID: 24001356; Invitae). ClinVar contains an entry for this variant (Variation ID: 1330476). Algorithms developed to predict the effect of sequence changes on RNA splicing suggest that this variant may disrupt the consensus splice site. For these reasons, this variant has been classified as Pathogenic.

ARUP Laboratories, Molecular Genetics and Genomics, ARUP Laboratories
Classification: Pathogenic for Telangiectasia, hereditary hemorrhagic, type 1. Last evaluated: 2021-07-30. Review status: criteria provided, single submitter. Criteria: ARUP Molecular Germline Variant Investigation Process 2021. Collection method: clinical testing. Allele origin: germline.
Comment: The ENG c.219+2T>C variant, to our knowledge, is not reported in the medical literature or gene specific databases. This variant is also absent from the Genome Aggregation Database, indicating it is not a common polymorphism. This variant disrupts the canonical splice donor site of intron 2, which is likely to negatively impact gene function. Based on available information, this variant is considered to be pathogenic.

Ambry Genetics
Classification: Likely pathogenic for Cardiovascular phenotype. Last evaluated: 2017-07-21. Review status: criteria provided, single submitter. Criteria: Ambry Variant Classification Scheme 2023. Collection method: clinical testing. Allele origin: germline.
Comment: The c.219+2T>C intronic variant results from a T to C substitution two nucleotides after coding exon 2 in the ENG gene. This nucleotide position is highly conserved in available vertebrate species. Using two different splice site prediction tools, this alteration is predicted by BDGP to abolish the native splice donor site, but is predicted to weaken (but not abolish) the efficiency of the native splice donor site by ESEfinder; however, direct evidence is unavailable. Alterations that disrupt the canonical splice site are expected to cause aberrant splicing, resulting in an abnormal protein or a transcript that is subject to nonsense-mediated mRNA decay. As such, this alteration is classified as likely pathogenic.

Literature cited by the submitters: PubMed 16199547 (cited by Labcorp Genetics (formerly Invitae), Labcorp); PubMed 15879500 (cited by Labcorp Genetics (formerly Invitae), Labcorp); PubMed 24001356 (cited by Labcorp Genetics (formerly Invitae), Labcorp).